The following is an entry in ClinVar:

ClinVar aggregate classification (germline): Likely pathogenic (1 of 4 stars; one submission).

Conditions:
Cohen syndrome (COH1). Also called: PEPPER SYNDROME; Cutis verticis gyrata, retinitis pigmentosa, and sensorineural deafness. Identifiers: Orphanet 193, MedGen C0265223, MONDO:0008999, OMIM 216550.

Submission:

Natera, Inc.
Classification: Likely pathogenic for Cohen syndrome. Last evaluated: 2025-06-09. Review status: criteria provided, single submitter. Criteria: Natera Variant Classification Schema (03/2026). Collection method: clinical testing. Allele origin: germline.
Comment: The c.1282C>T variant in VPS13B is a nonsense variant predicted to introduce a stop codon at amino acid 428. This variant is expected to result in nonsense mediated decay, truncation, or a dysfunctional protein product. This variant is rare in the general population with a frequency below the threshold expected for the associated phenotype(s). Given the available evidence, this variant is classified as Likely Pathogenic.

NM_152564.5(VPS13B):c.1282C>T (p.Gln428Ter)

Gene: VPS13B (vacuolar protein sorting 13 homolog B; plus strand). Cytogenetic location: 8q22.2.
Variant type: single nucleotide variant.
Coding change: c.1282C>T on transcript NM_152564.5 (MANE Select); coding-DNA position 1282, C replaced by T.
Protein change: p.Gln428Ter; replaces glutamine 428 with a stop codon.
Molecular consequence: nonsense.
Genome position (GRCh38, 1-based): chr8:99,134,707, C>T. VCF-style: chr8-99134707-C-T. GRCh37 (hg19) VCF-style: chr8-100146935-C-T.
Other names: c.1282C>T, p.Gln428Ter (NM_015243.3, NM_017890.5); short protein forms Q428*.
Identifiers: ClinVar variation 4815936 (VCV004815936.1).